The following is an entry in ClinVar:

ClinVar aggregate classification (germline): Uncertain significance. Review status: criteria provided, multiple submitters, no conflicts (2 of 4 stars). 2 submissions from 2 submitters: Uncertain significance (2). Last evaluated 2025-11-11.

Conditions:
Fanconi anemia (FA). Also called: Fanconi's anemia. Identifiers: Orphanet 84, MedGen C0015625, MeSH D005199, MONDO:0019391.
Fanconi anemia complementation group I (FANCI). Also called: FANCI-Related Fanconi Anemia. Identifiers: Orphanet 84, MedGen C1836861, MONDO:0012186, OMIM 609053.

Allele frequency attached by ClinVar (database versions not stated): gnomAD 0.00006; TOPMed 0.00006; gnomAD exomes 0.00008 and 0.00010; ExAC 0.00012.
gnomAD v4.1: 159 of 1,613,248 alleles (0.0099%); highest among the groups gnomAD compares: Non-Finnish European, 0.013%; no homozygotes.

Submissions (2):

Labcorp Genetics (formerly Invitae), Labcorp
Classification: Uncertain significance for Fanconi anemia. Last evaluated: 2025-11-11. Review status: criteria provided, single submitter. Criteria: Invitae Variant Classification Sherloc (09022015). Collection method: clinical testing. Allele origin: germline.
Comment: This sequence change replaces cysteine, which is neutral and slightly polar, with tryptophan, which is neutral and slightly polar, at codon 1085 of the FANCI protein (p.Cys1085Trp). This variant is present in population databases (rs755403672, gnomAD 0.02%). This variant has not been reported in the literature in individuals affected with FANCI-related conditions. ClinVar contains an entry for this variant (Variation ID: 568595). An algorithm developed to predict the effect of missense changes on protein structure and function (PolyPhen-2) suggests that this variant is likely to be disruptive. In summary, the available evidence is currently insufficient to determine the role of this variant in disease. Therefore, it has been classified as a Variant of Uncertain Significance.

Fulgent Genetics
Classification: Uncertain significance for Fanconi anemia complementation group I. Last evaluated: 2024-05-24. Review status: criteria provided, single submitter. Criteria: ACMG Guidelines, 2015. Collection method: clinical testing. Allele origin: germline.

NM_001113378.2(FANCI):c.3255T>G (p.Cys1085Trp)

Gene: FANCI (FA complementation group I; plus strand). Cytogenetic location: 15q26.1.
Variant type: single nucleotide variant.
Coding change: c.3255T>G on transcript NM_001113378.2 (MANE Select); coding-DNA position 3255, T replaced by G.
Protein change: p.Cys1085Trp; replaces cysteine 1085 with tryptophan.
Molecular consequence: missense variant.
Genome position (GRCh38, 1-based): chr15:89,305,409, T>G. VCF-style: chr15-89305409-T-G. GRCh37 (hg19) VCF-style: chr15-89848640-T-G.
Other names: c.2976T>G, p.Cys992Trp (NM_001376910.1); c.3255T>G, p.Cys1085Trp (NM_001376911.1); c.3075T>G, p.Cys1025Trp (NM_018193.3); short protein forms C1085W, C1025W, C992W.
Identifiers: ClinVar variation 568595 (VCV000568595.10), dbSNP rs755403672, ClinGen allele CA7723648.